The following is an entry in ClinVar:

ClinVar aggregate classification (germline): Likely benign (1 of 4 stars; one submission).

Conditions:
Cardiomyopathy (CMYO). Also called: Cardiomyopathies. Identifiers: Orphanet 167848, MedGen C0878544, MONDO:0004994, HP:0001638. Inheritance: Various modes of inheritance.

Allele frequency attached by ClinVar (database versions not stated): gnomAD exomes below 0.00001.
gnomAD v4.1: 2 of 1,614,236 alleles (0.00012%); highest among the groups gnomAD compares: Non-Finnish European, 0.00017%; no homozygotes.

Submission:

All of Us Research Program, National Institutes of Health
Classification: Likely benign for Cardiomyopathy. Last evaluated: 2023-11-02. Review status: criteria provided, single submitter. Criteria: ACMG Guidelines, 2015. Collection method: clinical testing. Allele origin: germline. Inheritance: Autosomal dominant inheritance. Observed: 1 variant allele, 1 heterozygote.
Comment: This study involves interpretation of variants in research participants for the purpose of population health screening. Participant phenotype was not available at the time of variant classification. Additional details can be found in publication PMID: 35346344, PMCID: PMC8962531

NM_000257.4(MYH7):c.3957G>A (p.Leu1319=)

Gene: MYH7 (myosin heavy chain 7; minus strand). Cytogenetic location: 14q11.2.
Variant type: single nucleotide variant.
Coding change: c.3957G>A on transcript NM_000257.4 (MANE Select); coding-DNA position 3957, G replaced by A.
Protein change: p.Leu1319=; no amino-acid change (leucine 1319 retained).
Molecular consequence: synonymous variant.
Genome position (GRCh38, 1-based): chr14:23,419,192, C>T on the plus strand (G>A on the coding strand, the complement: MYH7 is on the minus strand). VCF-style: chr14-23419192-C-T. GRCh37 (hg19) VCF-style: chr14-23888401-C-T.
Other names: c.3957G>A, p.Leu1319= (NM_001407004.1).
Identifiers: ClinVar variation 3074318 (VCV003074318.1), dbSNP rs2502260108, ClinGen allele CA485619826.
Genomic context (GRCh38, chr14:23,419,192, plus strand): 5'-AGTGTGCTCCTTGCTTGGGCCAGGTGGCCCGAGTCTAGCCCTTACCTTAACCTCCTCCTC[C>T]AGCTGCCTCTTGAGGTCCTCCAGCTGCTGGGTGTAGGTGAGCTTGCCTCGGGTCAGCTGG-3'
Protein context (NP_000248.2, residues 1309-1329): TQQLEDLKRQ[Leu1319=]EEEVKAKNAL